The following is an entry in ClinVar:

NM_003982.4(SLC7A7):c.1430-55T>C

Gene: SLC7A7 (solute carrier family 7 member 7; minus strand). Cytogenetic location: 14q11.2.
Variant type: single nucleotide variant.
Coding change: c.1430-55T>C on transcript NM_003982.4 (MANE Select); 55 bases into the intron before coding-DNA position 1430, T replaced by C.
Molecular consequence: intron variant.
Genome position (GRCh38, 1-based): chr14:22,773,771, A>G on the plus strand (T>C on the coding strand, the complement: SLC7A7 is on the minus strand). VCF-style: chr14-22773771-A-G. GRCh37 (hg19) VCF-style: chr14-23242980-A-G.
Other names: c.1430-55T>C (NM_001126106.4, NM_001126105.3).
Identifiers: ClinVar variation 1180590 (VCV001180590.7), dbSNP rs11568422, ClinGen allele CA14001462.

ClinVar aggregate classification (germline): Benign. Review status: criteria provided, multiple submitters, no conflicts (2 of 4 stars). 4 submissions from 4 submitters: Benign (4). Last evaluated 2024-01-24.

Conditions:
Lysinuric protein intolerance (LPI). Identifiers: Orphanet 470, MedGen C0268647, MONDO:0009109, OMIM 222700.

Allele frequency attached by ClinVar (database versions not stated): 1000 Genomes Project 30x 0.13601; 1000 Genomes Project 0.14197; TOPMed 0.15716; gnomAD 0.16163 and 0.16259.
gnomAD v4.1: 296,119 of 1,575,898 alleles (19%); highest among the groups gnomAD compares: Middle Eastern, 20%; 29,132 homozygotes.

Submissions (4):

Unidad de Genómica Garrahan, Hospital de Pediatría Garrahan
Classification: Benign. Last evaluated: 2024-01-24. Review status: criteria provided, single submitter. Criteria: ACMG Guidelines, 2015. Collection method: clinical testing. Allele origin: germline. Affected: no. Observed: 27 variant alleles.
Comment: This variant is classified as Benign based on local population frequency. This variant was detected in 28% of patients studied by a panel of primary immunodeficiencies. Number of patients: 27. Only high quality variants are reported.

Genome-Nilou Lab
Classification: Benign for Lysinuric protein intolerance. Last evaluated: 2021-07-10. Review status: criteria provided, single submitter. Criteria: ACMG Guidelines, 2015. Collection method: clinical testing. Allele origin: germline. Affected: no.

GeneDx
Classification: Benign. Last evaluated: 2018-06-23. Review status: criteria provided, single submitter. Criteria: GeneDx Variant Classification Process June 2021. Collection method: clinical testing. Allele origin: germline. Affected: yes.

Breakthrough Genomics
Classification: Benign. Review status: criteria provided, single submitter. Criteria: ACMG Guidelines, 2015. Collection method: not provided. Allele origin: germline. Inheritance: Autosomal recessive inheritance. Affected: yes.